The following is an entry in ClinVar:

ClinVar aggregate classification (germline): Conflicting classifications of pathogenicity. Review status: criteria provided, conflicting classifications (1 of 4 stars). 6 submissions from 5 submitters: Uncertain significance (1); Benign (1); Likely benign (4). Last evaluated 2025-10-28.

Conditions:
Spinocerebellar ataxia, autosomal recessive, with axonal neuropathy 2 (SCAN2). Also called: Ataxia with Oculomotor Apraxia; Ataxia-ocular apraxia-2; ATAXIA-OCULOMOTOR APRAXIA 2; Ataxia with Oculomotor Apraxia Type 2. Identifiers: Orphanet 64753, MedGen C1853761, MONDO:0018996, OMIM 606002.
Amyotrophic lateral sclerosis type 4 (ALS4). Also called: AMYOTROPHIC LATERAL SCLEROSIS 4, JUVENILE; NEURONOPATHY, DISTAL HEREDITARY MOTOR, WITH PYRAMIDAL FEATURES. Identifiers: Orphanet 357043, MedGen C1865409, MONDO:0011223, OMIM 602433.
SETX-related disorder. Also called: SETX-related disorders; SETX-related condition. Identifiers: MedGen CN239403.
Inborn genetic diseases. Identifiers: MedGen C0950123, MeSH D030342.

Allele frequency attached by ClinVar (database versions not stated): gnomAD exomes 0.00007 and 0.00025; gnomAD 0.00009 and 0.00010; TOPMed 0.00011; ExAC 0.00018.
gnomAD v4.1: 122 of 1,613,948 alleles (0.0076%); highest among the groups gnomAD compares: East Asian, 0.21%; 1 homozygote.

Submissions (6):

Labcorp Genetics (formerly Invitae), Labcorp
Classification: Likely benign for Amyotrophic lateral sclerosis type 4; Spinocerebellar ataxia, autosomal recessive, with axonal neuropathy 2. Last evaluated: 2025-10-28. Review status: criteria provided, single submitter. Criteria: Invitae Variant Classification Sherloc (09022015). Collection method: clinical testing. Allele origin: germline.

PreventionGenetics, part of Exact Sciences
Classification: Likely benign for SETX-related condition. Last evaluated: 2025-10-17. Review status: criteria provided, single submitter. Criteria: ACMG Guidelines, 2015. Collection method: clinical testing. Allele origin: germline.
Comment: This variant is classified as likely benign based on ACMG/AMP sequence variant interpretation guidelines (Richards et al. 2015 PMID: 25741868, with internal and published modifications).

Ambry Genetics
Classification: Likely benign for Inborn genetic diseases. Last evaluated: 2023-01-24. Review status: criteria provided, single submitter. Criteria: Ambry Variant Classification Scheme 2023. Collection method: clinical testing. Allele origin: germline.

Athena Diagnostics
Classification: Benign. Last evaluated: 2019-12-27. Review status: criteria provided, single submitter. Criteria: Athena Diagnostics Criteria. Collection method: clinical testing. Allele origin: unknown.

Illumina Laboratory Services, Illumina
Classification: Uncertain significance for Spinocerebellar ataxia, autosomal recessive, with axonal neuropathy 2. Last evaluated: 2018-01-12. Review status: criteria provided, single submitter. Criteria: ICSL Variant Classification Criteria 13 December 2019. Collection method: clinical testing. Allele origin: germline.

Illumina Laboratory Services, Illumina
Classification: Likely benign for Amyotrophic lateral sclerosis type 4. Last evaluated: 2018-01-12. Review status: criteria provided, single submitter. Criteria: ICSL Variant Classification Criteria 13 December 2019. Collection method: clinical testing. Allele origin: germline.
Comment: This variant was observed in the ICSL laboratory as part of a predisposition screen in an ostensibly healthy population. It had not been previously curated by ICSL or reported in the Human Gene Mutation Database (HGMD: prior to June 1st, 2018), and was therefore a candidate for classification through an automated scoring system. Utilizing variant allele frequency, disease prevalence and penetrance estimates, and inheritance mode, an automated score was calculated to assess if this variant is too frequent to cause the disease. Based on the score and internal cut-off values, a variant classified as likely benign is not then subjected to further curation. The score for this variant resulted in a classification of likely benign for this disease.

Literature cited by the submitters: PubMed 26601740 (cited by Athena Diagnostics); PubMed 29411640 (cited by Athena Diagnostics).

NM_015046.7(SETX):c.431A>G (p.Asn144Ser)

Gene: SETX (senataxin; minus strand). Cytogenetic location: 9q34.13.
Variant type: single nucleotide variant.
Coding change: c.431A>G on transcript NM_015046.7 (MANE Select); coding-DNA position 431, A replaced by G.
Protein change: p.Asn144Ser; replaces asparagine 144 with serine.
Molecular consequence: missense variant.
Genome position (GRCh38, 1-based): chr9:132,342,757, T>C on the plus strand (A>G on the coding strand, the complement: SETX is on the minus strand). VCF-style: chr9-132342757-T-C. GRCh37 (hg19) VCF-style: chr9-135218144-T-C.
Other names: c.431A>G, p.Asn144Ser (NM_001351527.2, NM_001351528.2); short protein forms N144S.
Identifiers: ClinVar variation 536403 (VCV000536403.15), dbSNP rs767453182, ClinGen allele CA5298042.